The following is an entry in ClinVar:

NM_004933.3(CDH15):c.545C>G (p.Pro182Arg)

Gene: CDH15 (cadherin 15; plus strand). Cytogenetic location: 16q24.3.
Variant type: single nucleotide variant.
Coding change: c.545C>G on transcript NM_004933.3 (MANE Select); coding-DNA position 545, C replaced by G.
Protein change: p.Pro182Arg; replaces proline 182 with arginine.
Molecular consequence: missense variant.
Genome position (GRCh38, 1-based): chr16:89,185,215, C>G. VCF-style: chr16-89185215-C-G. GRCh37 (hg19) VCF-style: chr16-89251623-C-G.
Other names: short protein forms P182R.
Identifiers: ClinVar variation 4883163 (VCV004883163.2).

ClinVar aggregate classification (germline): Uncertain significance (1 of 4 stars; one submission).

gnomAD v4.1: 2 of 1,605,644 alleles (0.00012%); highest among the groups gnomAD compares: Non-Finnish European, 0.00017%; no homozygotes.

Submission:

Dasa
Classification: Uncertain significance. Last evaluated: 2024-10-24. Review status: criteria provided, single submitter. Criteria: DASA Assertion Criteria. Collection method: clinical testing. Allele origin: germline.
Comment: NM_004933.3(CDH15):c.545C>G (p.Pro182Arg) is a missense variant that results in the substitution of proline with arginine. This variant is rare in population databases. The currently available literature and clinical evidence are not sufficient to establish a definitive association between this variant and the reported condition. Therefore, this variant is classified as a variant of uncertain significance.